The following is an entry in ClinVar:

ClinVar aggregate classification (germline): Uncertain significance. Review status: criteria provided, multiple submitters, no conflicts (2 of 4 stars). 2 submissions from 2 submitters: Uncertain significance (2). Last evaluated 2025-03-27.

Conditions:
Inborn genetic diseases. Identifiers: MedGen C0950123, MeSH D030342.

Allele frequency attached by ClinVar (database versions not stated): gnomAD 0.00001; gnomAD exomes 0.00001; TOPMed 0.00001; ExAC 0.00002.
gnomAD v4.1: 23 of 1,613,804 alleles (0.0014%); highest among the groups gnomAD compares: African/African-American, 0.0027%; no homozygotes.

Submissions (2):

GeneDx
Classification: Uncertain significance. Last evaluated: 2025-03-27. Review status: criteria provided, single submitter. Criteria: GeneDx Variant Classification Process June 2021. Collection method: clinical testing. Allele origin: germline. Affected: yes.
Comment: Not observed at significant frequency in large population cohorts (gnomAD); In silico analysis supports that this missense variant has a deleterious effect on protein structure/function; Has not been previously published as pathogenic or benign to our knowledge

Ambry Genetics
Classification: Uncertain significance for Inborn genetic diseases. Last evaluated: 2024-03-07. Review status: criteria provided, single submitter. Criteria: Ambry Variant Classification Scheme 2023. Collection method: clinical testing. Allele origin: germline.

NM_001004127.3(ALG11):c.307G>A (p.Gly103Ser)

Gene: ALG11 (ALG11 alpha-1,2-mannosyltransferase; plus strand). Cytogenetic location: 13q14.3.
Variant type: single nucleotide variant.
Coding change: c.307G>A on transcript NM_001004127.3 (MANE Select); coding-DNA position 307, G replaced by A.
Protein change: p.Gly103Ser; replaces glycine 103 with serine.
Molecular consequence: missense variant.
Genome position (GRCh38, 1-based): chr13:52,024,037, G>A. VCF-style: chr13-52024037-G-A. GRCh37 (hg19) VCF-style: chr13-52598173-G-A.
Other names: short protein forms G103S.
Identifiers: ClinVar variation 3110848 (VCV003110848.2), dbSNP rs767997422, ClinGen allele CA6989888.